The following is an entry in ClinVar:

NM_015602.4(TOR1AIP1):c.323C>T (p.Ser108Phe)

Genes: TOR1AIP1 (torsin 1A interacting protein 1; plus strand), LOC112577517 (Sharpr-MPRA regulatory region 13766; plus strand). Cytogenetic location: 1q25.2.
Variant type: single nucleotide variant.
Coding change: c.323C>T on transcript NM_015602.4 (MANE Select); coding-DNA position 323, C replaced by T.
Protein change: p.Ser108Phe; replaces serine 108 with phenylalanine.
Molecular consequence: missense variant.
Genome position (GRCh38, 1-based): chr1:179,882,825, C>T. VCF-style: chr1-179882825-C-T. GRCh37 (hg19) VCF-style: chr1-179851960-C-T.
Other names: c.323C>T, p.Ser108Phe (NM_001267578.2); short protein forms S108F.
Identifiers: ClinVar variation 1015907 (VCV001015907.5), dbSNP rs1347375251, ClinGen allele CA343578076.

ClinVar aggregate classification (germline): Uncertain significance (1 of 4 stars; one submission).

Conditions:
Autosomal recessive limb-girdle muscular dystrophy type 2Y (MRRSDC). Also called: Muscular dystrophy, autosomal recessive, with rigid spine and distal joint contractures; Muscular dystrophy, limb-girdle, type 2y. Identifiers: Orphanet 424261, MedGen C4511482, MONDO:0014900, OMIM 617072.

Allele frequency attached by ClinVar (database versions not stated): gnomAD exomes below 0.00001.

Submission:

Labcorp Genetics (formerly Invitae), Labcorp
Classification: Uncertain significance for Autosomal recessive limb-girdle muscular dystrophy type 2Y. Last evaluated: 2020-01-30. Review status: criteria provided, single submitter. Criteria: Invitae Variant Classification Sherloc (09022015). Collection method: clinical testing. Allele origin: germline.
Comment: In summary, the available evidence is currently insufficient to determine the role of this variant in disease. Therefore, it has been classified as a Variant of Uncertain Significance. Algorithms developed to predict the effect of missense changes on protein structure and function are either unavailable or do not agree on the potential impact of this missense change (SIFT: "Deleterious"; PolyPhen-2: "Probably Damaging"; Align-GVGD: "Class C0"). This variant has not been reported in the literature in individuals with TOR1AIP1-related conditions. This variant is not present in population databases (ExAC no frequency). This sequence change replaces serine with phenylalanine at codon 108 of the TOR1AIP1 protein (p.Ser108Phe). The serine residue is weakly conserved and there is a large physicochemical difference between serine and phenylalanine.